The following is an entry in ClinVar:

NM_006088.6(TUBB4B):c.1035C>T (p.Ile345=)

Gene: TUBB4B (tubulin beta 4B class IVb; plus strand). Cytogenetic location: 9q34.3.
Variant type: single nucleotide variant.
Coding change: c.1035C>T on transcript NM_006088.6 (MANE Select); coding-DNA position 1035, C replaced by T.
Protein change: p.Ile345=; no amino-acid change (isoleucine 345 retained).
Molecular consequence: synonymous variant.
Genome position (GRCh38, 1-based): chr9:137,243,253, C>T. VCF-style: chr9-137243253-C-T. GRCh37 (hg19) VCF-style: chr9-140137705-C-T.
Identifiers: ClinVar variation 709104 (VCV000709104.12), dbSNP rs201909594, ClinGen allele CA5365447.

ClinVar aggregate classification (germline): Benign/Likely benign. Review status: criteria provided, multiple submitters, no conflicts (2 of 4 stars). 3 submissions from 3 submitters: Benign (1); Likely benign (1). 1 of the submissions does not count toward it. Last evaluated 2025-11-28.

Conditions:
TUBB4B-related disorder. Also called: TUBB4B-related condition.

Allele frequency attached by ClinVar (database versions not stated): 1000 Genomes Project 0.00020; gnomAD exomes 0.00024 and 0.00118; gnomAD 0.00026 and 0.00027; 1000 Genomes Project 30x 0.00031; TOPMed 0.00063; ExAC 0.00089.
gnomAD v4.1: 378 of 1,613,476 alleles (0.023%); highest among the groups gnomAD compares: Admixed American, 0.61%; no homozygotes.

Submissions (3):

Labcorp Genetics (formerly Invitae), Labcorp
Classification: Benign. Last evaluated: 2025-11-28. Review status: criteria provided, single submitter. Criteria: Invitae Variant Classification Sherloc (09022015). Collection method: clinical testing. Allele origin: germline.

Blueprint Genetics
Classification: Likely benign. Last evaluated: 2022-10-31. Review status: criteria provided, single submitter. Criteria: ACMG Guidelines, 2015. Collection method: clinical testing. Allele origin: germline.

PreventionGenetics, part of Exact Sciences
Classification: Benign for TUBB4B-related condition. Last evaluated: 2019-09-17. Review status: no assertion criteria provided. Collection method: clinical testing. Allele origin: germline. Not counted in ClinVar's aggregate classification.
Comment: This variant is classified as benign based on ACMG/AMP sequence variant interpretation guidelines (Richards et al. 2015 PMID: 25741868, with internal and published modifications).